The following is an entry in ClinVar:

ClinVar aggregate classification (germline): Uncertain significance (1 of 4 stars; one submission).

Conditions:
Hereditary spastic paraplegia 7 (SPG7). Also called: SPG7-related neurologic disorder; Autosomal recessive spastic paraplegia type 7; SPASTIC PARAPLEGIA 7, AUTOSOMAL RECESSIVE, WITH OR WITHOUT CEREBELLAR ATAXIA; Spastic paraplegia 7; Hereditary spastic paraplegia Paraplegin type. Identifiers: Orphanet 99013, MedGen C1846564, MONDO:0011803, OMIM 607259.

Allele frequency attached by ClinVar (database versions not stated): gnomAD exomes below 0.00001.
gnomAD v4.1: 1 of 1,609,556 alleles (0.000062%); highest among the groups gnomAD compares: Admixed American, 0.0017%; no homozygotes.

Submission:

Labcorp Genetics (formerly Invitae), Labcorp
Classification: Uncertain significance for Hereditary spastic paraplegia 7. Last evaluated: 2020-11-25. Review status: criteria provided, single submitter. Criteria: Invitae Variant Classification Sherloc (09022015). Collection method: clinical testing. Allele origin: germline.
Comment: This variant has not been reported in the literature in individuals with SPG7-related conditions. In summary, the available evidence is currently insufficient to determine the role of this variant in disease. Therefore, it has been classified as a Variant of Uncertain Significance. Algorithms developed to predict the effect of missense changes on protein structure and function are either unavailable or do not agree on the potential impact of this missense change (SIFT: "Tolerated"; PolyPhen-2: "Probably Damaging"; Align-GVGD: "Class C0"). This variant is not present in population databases (ExAC no frequency). This sequence change replaces tyrosine with aspartic acid at codon 711 of the SPG7 protein (p.Tyr711Asp). The tyrosine residue is highly conserved and there is a large physicochemical difference between tyrosine and aspartic acid.

NM_003119.4(SPG7):c.2131T>G (p.Tyr711Asp)

Gene: SPG7 (SPG7 matrix AAA peptidase subunit, paraplegin; plus strand). Cytogenetic location: 16q24.3.
Variant type: single nucleotide variant.
Coding change: c.2131T>G on transcript NM_003119.4 (MANE Select); coding-DNA position 2131, T replaced by G.
Protein change: p.Tyr711Asp; replaces tyrosine 711 with aspartic acid.
Molecular consequence: missense variant.
Genome position (GRCh38, 1-based): chr16:89,554,513, T>G. VCF-style: chr16-89554513-T-G. GRCh37 (hg19) VCF-style: chr16-89620921-T-G.
Other names: c.2131T>G, p.Tyr711Asp (NM_001363850.1); short protein forms Y711D.
Identifiers: ClinVar variation 836085 (VCV000836085.9), dbSNP rs2058667749, ClinGen allele CA397434659.